The following is an entry in ClinVar:

NM_003924.4(PHOX2B):c.569C>T (p.Thr190Ile)

Gene: PHOX2B (paired like homeobox 2B; minus strand). Cytogenetic location: 4p13.
Variant type: single nucleotide variant.
Coding change: c.569C>T on transcript NM_003924.4 (MANE Select); coding-DNA position 569, C replaced by T.
Protein change: p.Thr190Ile; replaces threonine 190 with isoleucine.
Molecular consequence: missense variant.
Genome position (GRCh38, 1-based): chr4:41,746,183, G>A on the plus strand (C>T on the coding strand, the complement: PHOX2B is on the minus strand). VCF-style: chr4-41746183-G-A. GRCh37 (hg19) VCF-style: chr4-41748200-G-A.
Other names: short protein forms T190I.
Identifiers: ClinVar variation 1479448 (VCV001479448.8), dbSNP rs2153112800, ClinGen allele CA356737962.

ClinVar aggregate classification (germline): Uncertain significance (1 of 4 stars; one submission).

Conditions:
Haddad syndrome (OHD). Also called: Ondine-Hirschsprung disease. Identifiers: Orphanet 99803, MedGen C1859049, MONDO:0020493.

Submission:

Labcorp Genetics (formerly Invitae), Labcorp
Classification: Uncertain significance for Haddad syndrome. Last evaluated: 2020-12-18. Review status: criteria provided, single submitter. Criteria: Invitae Variant Classification Sherloc (09022015). Collection method: clinical testing. Allele origin: germline.
Comment: In summary, the available evidence is currently insufficient to determine the role of this variant in disease. Therefore, it has been classified as a Variant of Uncertain Significance. Algorithms developed to predict the effect of missense changes on protein structure and function are either unavailable or do not agree on the potential impact of this missense change (SIFT: "Deleterious"; PolyPhen-2: "Not Available"; Align-GVGD: "Class C15"). This variant has not been reported in the literature in individuals with PHOX2B-related conditions. This variant is not present in population databases (ExAC no frequency). This sequence change replaces threonine with isoleucine at codon 190 of the PHOX2B protein (p.Thr190Ile). The threonine residue is moderately conserved and there is a moderate physicochemical difference between threonine and isoleucine.